The following is an entry in ClinVar:

NM_002485.5(NBN):c.2238C>A (p.Tyr746Ter)

Gene: NBN (nibrin; minus strand). Cytogenetic location: 8q21.3.
Variant type: single nucleotide variant.
Coding change: c.2238C>A on transcript NM_002485.5 (MANE Select); coding-DNA position 2238, C replaced by A.
Protein change: p.Tyr746Ter; replaces tyrosine 746 with a stop codon.
Molecular consequence: nonsense.
Genome position (GRCh38, 1-based): chr8:89,935,609, G>T on the plus strand (C>A on the coding strand, the complement: NBN is on the minus strand). VCF-style: chr8-89935609-G-T. GRCh37 (hg19) VCF-style: chr8-90947837-G-T.
Other names: c.1992C>A, p.Tyr664Ter (NM_001024688.3); short protein forms Y746*, Y664*.
Identifiers: ClinVar variation 480044 (VCV000480044.26), dbSNP rs751570713, ClinGen allele CA4802562.
Genomic context (GRCh38, chr8:89,935,609, plus strand): 5'-AGTTTTTCCATGGCTTCTTTTTAAAATCCTCAGTTATCTTCTCCTTTTTAAATAAGGATT[G>T]TATCTGCAAAGAAAGAAATGGGGTTAAATGATATTTAGATAAGGGATGGTATTTCTTTTA-3'

ClinVar aggregate classification (germline): Conflicting classifications of pathogenicity. Review status: criteria provided, conflicting classifications (1 of 4 stars). 6 submissions from 6 submitters: Likely pathogenic (3); Uncertain significance (3). Last evaluated 2025-06-25.

Conditions:
Hereditary cancer-predisposing syndrome. Also called: Hereditary neoplastic syndrome; Neoplastic Syndromes, Hereditary; Tumor predisposition; Hereditary Cancer Syndrome. Identifiers: Orphanet 140162, MedGen C0027672, MeSH D009386, MONDO:0015356.
Microcephaly, normal intelligence and immunodeficiency (NBS). Also called: IMMUNODEFICIENCY, MICROCEPHALY, AND CHROMOSOMAL INSTABILITY; SEEMANOVA SYNDROME II; Nijmegen breakage syndrome; Microcephaly with normal intelligence immunodeficiency and lymphoreticular malignancies; Nonsyndromal microcephaly autosomal recessive with normal intelligence; Seemanova syndrome 2. Identifiers: Orphanet 647, MedGen C0398791, MONDO:0009623, OMIM 251260.
Aplastic anemia. Identifiers: Orphanet 182040, Orphanet 88, MedGen C0002874, MONDO:0015909, OMIM 609135, HP:0001915.

Allele frequency attached by ClinVar (database versions not stated): ExAC 0.00001; gnomAD exomes below 0.00001.
gnomAD v4.1: 1 of 1,607,556 alleles (0.000062%); highest among the groups gnomAD compares: Non-Finnish European, 0.000085%; no homozygotes.

Submissions (6):

Labcorp Genetics (formerly Invitae), Labcorp
Classification: Uncertain significance for Microcephaly, normal intelligence and immunodeficiency. Last evaluated: 2025-06-25. Review status: criteria provided, single submitter. Criteria: Invitae Variant Classification Sherloc (09022015). Collection method: clinical testing. Allele origin: germline.
Comment: This sequence change creates a premature translational stop signal (p.Tyr746*) in the NBN gene. While this is not anticipated to result in nonsense mediated decay, it is expected to disrupt the last 9 amino acid(s) of the NBN protein. This variant is present in population databases (rs751570713, gnomAD 0.0009%). This premature translational stop signal has been observed in individual(s) with renal cancer and thyroid cancer (PMID: 32782288, 36346689). ClinVar contains an entry for this variant (Variation ID: 480044). In summary, the available evidence is currently insufficient to determine the role of this variant in disease. Therefore, it has been classified as a Variant of Uncertain Significance.

Ambry Genetics
Classification: Likely pathogenic for Hereditary cancer-predisposing syndrome. Last evaluated: 2024-09-24. Review status: criteria provided, single submitter. Criteria: Ambry Variant Classification Scheme 2023. Collection method: clinical testing. Allele origin: germline.
Comment: The p.Y746* variant (also known as c.2238C>A), located in coding exon 16 of the NBN gene, results from a C to A substitution at nucleotide position 2238. This changes the amino acid from a tyrosine to a stop codon within coding exon 16. This stop codon occurs at the 3' terminus of NBN, is not expected to trigger nonsense-mediated mRNA decay, and only impacts the last 9 amino acids of the protein. However, the truncation occurs in an ATM binding domain, and upstream of a nuclear localization signal. This variant is considered to be rare based on population cohorts in the Genome Aggregation Database (gnomAD). Based on the majority of available evidence to date, this variant is likely to be pathogenic.

Baylor Genetics
Classification: Likely pathogenic for Aplastic anemia. Last evaluated: 2024-02-23. Review status: criteria provided, single submitter. Criteria: ACMG Guidelines, 2015. Collection method: clinical testing. Allele origin: unknown.

Genome-Nilou Lab
Classification: Likely pathogenic for Microcephaly, normal intelligence and immunodeficiency. Last evaluated: 2021-11-07. Review status: criteria provided, single submitter. Criteria: ACMG Guidelines, 2015. Collection method: clinical testing. Allele origin: germline. Affected: no.

GeneDx
Classification: Uncertain significance. Last evaluated: 2017-04-10. Review status: criteria provided, single submitter. Criteria: GeneDx Variant Classification (06012015). Collection method: clinical testing. Allele origin: germline. Affected: yes.
Comment: This variant is denoted NBN c.2238C>A at the cDNA level and p.Tyr746Ter (Y746X) at the protein level. The substitution creates a nonsense variant, which changes a Tyrosine to a premature stop codon (TAC>TAA). This variant has not, to our knowledge, been reported in the literature. NBN Tyr746Ter results in the loss of 9 amino acids at the end of the protein, which might affect normal function. However, due to the location of the newly created nonsense codon in the last exon, the transcript is not expected to undergo nonsense-mediated decay and could therefore encode a truncated protein that retains some normal function. The deleted residues are located in the region of interaction with ATM (Damiola 2014). NBN Tyr746Ter was not observed at a significant allele frequency in large population cohorts (NHLBI Exome Sequencing Project, The 1000 Genomes Consortium 2015, Lek 2016). Based on currently available evidence, it is unclear whether NBN Tyr746Ter is a pathogenic or benign variant. We consider it to be a variant of uncertain significance.

Institute of Human Genetics, University Hospital of Duesseldorf
Classification: Uncertain significance for Microcephaly, normal intelligence and immunodeficiency. Review status: criteria provided, single submitter. Criteria: ACMG Guidelines, 2015. Collection method: not provided. Allele origin: germline. Inheritance: Autosomal recessive inheritance. Affected: yes.

Literature cited by the submitters: PubMed 32782288 (cited by Labcorp Genetics (formerly Invitae), Labcorp); PubMed 36346689 (cited by Labcorp Genetics (formerly Invitae), Labcorp); PubMed 29922827 (cited by Ambry Genetics).